The following is an entry in ClinVar:

ClinVar aggregate classification (germline): Uncertain significance. Review status: criteria provided, multiple submitters, no conflicts (2 of 4 stars). 3 submissions from 3 submitters: Uncertain significance (3). Last evaluated 2025-10-29.

Conditions:
LCA5-related disorder. Also called: LCA5-related condition.

Allele frequency attached by ClinVar (database versions not stated): gnomAD 0.00011; gnomAD exomes 0.00011; TOPMed 0.00011; ExAC 0.00012; ESP Exome Variant Server 0.00015.
gnomAD v4.1: 173 of 1,613,212 alleles (0.011%); highest among the groups gnomAD compares: East Asian, 0.1%; no homozygotes.

Submissions (3):

PreventionGenetics, part of Exact Sciences
Classification: Uncertain significance for LCA5-related condition. Last evaluated: 2025-10-29. Review status: criteria provided, single submitter. Criteria: ACMG Guidelines, 2015. Collection method: clinical testing. Allele origin: germline.
Comment: The LCA5 c.196C>T variant is predicted to result in the amino acid substitution p.Arg66Trp. To our knowledge, this variant has not been reported in the literature. This variant is reported in 0.048% of alleles in individuals of Ashkenazi Jewish descent in gnomAD. At this time, the clinical significance of this variant is uncertain due to the absence of conclusive functional and genetic evidence.

Labcorp Genetics (formerly Invitae), Labcorp
Classification: Uncertain significance. Last evaluated: 2024-12-12. Review status: criteria provided, single submitter. Criteria: Invitae Variant Classification Sherloc (09022015). Collection method: clinical testing. Allele origin: germline.
Comment: This sequence change replaces arginine, which is basic and polar, with tryptophan, which is neutral and slightly polar, at codon 66 of the LCA5 protein (p.Arg66Trp). This variant is present in population databases (rs145854631, gnomAD 0.05%). This variant has not been reported in the literature in individuals affected with LCA5-related conditions. ClinVar contains an entry for this variant (Variation ID: 2059452). Invitae Evidence Modeling of protein sequence and biophysical properties (such as structural, functional, and spatial information, amino acid conservation, physicochemical variation, residue mobility, and thermodynamic stability) indicates that this missense variant is expected to disrupt LCA5 protein function with a positive predictive value of 80%. In summary, the available evidence is currently insufficient to determine the role of this variant in disease. Therefore, it has been classified as a Variant of Uncertain Significance.

Blueprint Genetics
Classification: Uncertain significance. Last evaluated: 2024-11-08. Review status: criteria provided, single submitter. Criteria: ACMG Guidelines, 2015. Collection method: clinical testing. Allele origin: germline.

NM_001122769.3(LCA5):c.196C>T (p.Arg66Trp)

Gene: LCA5 (lebercilin LCA5; minus strand). Cytogenetic location: 6q14.1.
Variant type: single nucleotide variant.
Coding change: c.196C>T on transcript NM_001122769.3 (MANE Select); coding-DNA position 196, C replaced by T.
Protein change: p.Arg66Trp; replaces arginine 66 with tryptophan.
Molecular consequence: missense variant.
Genome position (GRCh38, 1-based): chr6:79,513,736, G>A on the plus strand (C>T on the coding strand, the complement: LCA5 is on the minus strand). VCF-style: chr6-79513736-G-A. GRCh37 (hg19) VCF-style: chr6-80223453-G-A.
Other names: c.196C>T, p.Arg66Trp (NM_181714.4); c.196C>T (NM_181714.3); short protein forms R66W.
Identifiers: ClinVar variation 2059452 (VCV002059452.4), dbSNP rs145854631, ClinGen allele CA3901173.